The following is an entry in ClinVar:

NR_003137.3(RNU4-2):n.127C>T

Gene: RNU4-2 (RNA, U4 small nuclear 2; minus strand). Cytogenetic location: 12q24.23.
Variant type: single nucleotide variant.
Molecular consequence: non-coding transcript variant (on NR_003137.3).
Genome position: GRCh38 VCF-style: chr12-120291777-G-A. GRCh37 (hg19) VCF-style: chr12-120729580-G-A.
Identifiers: ClinVar variation 4795826 (VCV004795826.1).

ClinVar aggregate classification (germline): Uncertain significance (1 of 4 stars; one submission).

Conditions:
Neurodevelopmental disorder with hypotonia, brain anomalies, distinctive facies, and absent language. Also called: ReNU SYNDROME; RNU4-2–Related Autosomal Dominant Neurodevelopmental Disorder; RNU4-2-Related Neurodevelopmental Disorder. Identifiers: Orphanet 686488, MedGen C5935628, MONDO:0971172, OMIM 620851.

gnomAD v4.1: 13 of 152,174 alleles (0.0085%); highest among the groups gnomAD compares: Non-Finnish European, 0.015%; no homozygotes.

Submission:

Centre for Population Genomics, CPG
Classification: Uncertain significance for RNU4-2-Related Neurodevelopmental Disorder. Last evaluated: 2026-02-11. Review status: criteria provided, single submitter. Criteria: Ellingford et al. (Genome Med. 2022). Collection method: research. Allele origin: germline. Inheritance: Autosomal recessive inheritance. Affected: yes. Observed: 2 variant alleles, 1 compound heterozygote, 1 homozygote.
Comment: PM2_supp,PM3